The following is an entry in ClinVar:

ClinVar aggregate classification (germline): Uncertain significance (1 of 4 stars; one submission).

Conditions:
UTP4-related disorder. Also called: UTP4-related condition.

gnomAD v4.1: 7 of 1,614,180 alleles (0.00043%); highest among the groups gnomAD compares: Admixed American, 0.012%; no homozygotes.

Submission:

PreventionGenetics, part of Exact Sciences
Classification: Uncertain significance for UTP4-related condition. Last evaluated: 2026-05-22. Review status: criteria provided, single submitter. Criteria: ACMG Guidelines, 2015. Collection method: clinical testing. Allele origin: germline.
Comment: The UTP4 c.933T>G variant is predicted to result in the amino acid substitution p.Phe311Leu. To our knowledge, this variant has not been reported in the literature. This variant is reported in 0.0087% of alleles in individuals of Latino descent in gnomAD. At this time, the clinical significance of this variant is uncertain due to the absence of conclusive functional and genetic evidence.

NM_032830.3(UTP4):c.933T>G (p.Phe311Leu)

Gene: UTP4 (UTP4 small subunit processome component). Cytogenetic location: 16q22.1.
Variant type: single nucleotide variant.
Coding change: c.933T>G on transcript NM_032830.3 (MANE Select); coding-DNA position 933, T replaced by G.
Protein change: p.Phe311Leu; replaces phenylalanine 311 with leucine.
Molecular consequence: missense variant.
Genome position (GRCh38, 1-based): chr16:69,150,835, T>G. VCF-style: chr16-69150835-T-G. GRCh37 (hg19) VCF-style: chr16-69184738-T-G.
Other names: c.684T>G, p.Phe228Leu (NM_001318391.2); short protein forms F228L, F311L.
Identifiers: ClinVar variation 2634477 (VCV002634477.2), dbSNP rs758406726, ClinGen allele CA396499811.